The following is an entry in ClinVar:

NM_003072.5(SMARCA4):c.4449G>C (p.Glu1483Asp)

Gene: SMARCA4 (SWI/SNF related BAF chromatin remodeling complex subunit ATPase 4; plus strand). Cytogenetic location: 19p13.2.
Variant type: single nucleotide variant.
Coding change: c.4449G>C on transcript NM_003072.5 (MANE Select); coding-DNA position 4449, G replaced by C.
Protein change: p.Glu1483Asp; replaces glutamic acid 1483 with aspartic acid.
Molecular consequence: missense variant. On other transcripts: non-coding transcript variant (1).
Genome position (GRCh38, 1-based): chr19:11,058,279, G>C. VCF-style: chr19-11058279-G-C. GRCh37 (hg19) VCF-style: chr19-11168955-G-C.
Other names: c.4449G>C, p.Glu1483Asp (NM_001128844.3); c.4359G>C, p.Glu1453Asp (NM_001128845.2); c.4356G>C, p.Glu1452Asp (NM_001128846.2); c.4350G>C, p.Glu1450Asp (NM_001128847.4, NM_001374457.1); c.4347G>C, p.Glu1449Asp (NM_001128848.2); c.4545G>C, p.Glu1515Asp (NM_001128849.3, NM_001387283.1); short protein forms E1515D, E1483D, E1449D, E1450D, E1452D, E1453D.
Identifiers: ClinVar variation 570061 (VCV000570061.19), dbSNP rs776843815, ClinGen allele CA404077346.

ClinVar aggregate classification (germline): Uncertain significance. Review status: criteria provided, multiple submitters, no conflicts (2 of 4 stars). 3 submissions from 3 submitters: Uncertain significance (3). Last evaluated 2025-03-02.

Conditions:
Intellectual disability, autosomal dominant 16 (CSS4). Also called: COFFIN-SIRIS SYNDROME 4. Identifiers: Orphanet 1465, MedGen C3553249, MONDO:0013821, OMIM 614609.
Hereditary cancer-predisposing syndrome. Also called: Hereditary neoplastic syndrome; Tumor predisposition; Neoplastic Syndromes, Hereditary; Hereditary Cancer Syndrome. Identifiers: Orphanet 140162, MedGen C0027672, MeSH D009386, MONDO:0015356.
Rhabdoid tumor predisposition syndrome 2 (RTPS2). Identifiers: Orphanet 231108, Orphanet 69077, MedGen C2750074, MONDO:0013224, OMIM 613325.

gnomAD v4.1: 1 of 1,613,186 alleles (0.000062%); highest among the groups gnomAD compares: East Asian, 0.0022%; no homozygotes.

Submissions (3):

Labcorp Genetics (formerly Invitae), Labcorp
Classification: Uncertain significance for Rhabdoid tumor predisposition syndrome 2. Last evaluated: 2025-03-02. Review status: criteria provided, single submitter. Criteria: Invitae Variant Classification Sherloc (09022015). Collection method: clinical testing. Allele origin: germline.
Comment: This sequence change replaces glutamic acid, which is acidic and polar, with aspartic acid, which is acidic and polar, at codon 1515 of the SMARCA4 protein (p.Glu1515Asp). This variant is not present in population databases (gnomAD no frequency). This variant has not been reported in the literature in individuals affected with SMARCA4-related conditions. ClinVar contains an entry for this variant (Variation ID: 570061). Invitae Evidence Modeling of protein sequence and biophysical properties (such as structural, functional, and spatial information, amino acid conservation, physicochemical variation, residue mobility, and thermodynamic stability) indicates that this missense variant is not expected to disrupt SMARCA4 protein function with a negative predictive value of 95%. In summary, the available evidence is currently insufficient to determine the role of this variant in disease. Therefore, it has been classified as a Variant of Uncertain Significance.

Ambry Genetics
Classification: Uncertain significance for Hereditary cancer-predisposing syndrome. Last evaluated: 2024-11-02. Review status: criteria provided, single submitter. Criteria: Ambry Variant Classification Scheme 2023. Collection method: clinical testing. Allele origin: germline.
Comment: The p.E1515D variant (also known as c.4545G>C), located in coding exon 31 of the SMARCA4 gene, results from a G to C substitution at nucleotide position 4545. The glutamic acid at codon 1515 is replaced by aspartic acid, an amino acid with highly similar properties. This amino acid position is well conserved in available vertebrate species. In addition, this alteration is predicted to be tolerated by in silico analysis. Missense and in-frame variants in SMARCA4 are known to cause neurodevelopmental disorders; however, such associations with rhabdoid tumor predisposition syndrome including small cell carcinoma of the ovary-hypercalcemic type (SCCOHT) are exceedingly rare (Kosho T et al. Am J Med Genet C Semin Med Genet. 2014 Sep;166C(3):262-75; Jelinic P et al. Nat Genet. 2014 May;46(5):424-6). Based on the supporting evidence, the association of this alteration with Coffin-Siris syndrome is unknown; however, the association of this alteration with rhabdoid tumor predisposition syndrome is unlikely.

Genome-Nilou Lab
Classification: Uncertain significance for Intellectual disability, autosomal dominant 16. Last evaluated: 2021-07-15. Review status: criteria provided, single submitter. Criteria: ACMG Guidelines, 2015. Collection method: clinical testing. Allele origin: germline. Affected: no.